The following is an entry in ClinVar:

NM_025137.4(SPG11):c.7152-6A>G

Gene: SPG11 (SPG11 vesicle trafficking associated, spatacsin; minus strand). Cytogenetic location: 15q21.1.
Variant type: single nucleotide variant.
Coding change: c.7152-6A>G on transcript NM_025137.4 (MANE Select); 6 bases into the intron before coding-DNA position 7152, A replaced by G.
Molecular consequence: intron variant.
Genome position (GRCh38, 1-based): chr15:44,563,307, T>C on the plus strand (A>G on the coding strand, the complement: SPG11 is on the minus strand). VCF-style: chr15-44563307-T-C. GRCh37 (hg19) VCF-style: chr15-44855505-T-C.
Other names: c.6813-6A>G (NM_001160227.2).
Identifiers: ClinVar variation 930969 (VCV000930969.6), dbSNP rs2082233766, ClinGen allele CA1139663880.

ClinVar aggregate classification (germline): Conflicting classifications of pathogenicity. Review status: criteria provided, conflicting classifications (1 of 4 stars). 2 submissions from 2 submitters: Uncertain significance (1); Likely benign (1). Last evaluated 2025-05-12.

Conditions:
Hereditary spastic paraplegia 11. Also called: Spastic paraplegia, mental retardation and thin corpus callosum; Nakamura Osame syndrome; Autosomal recessive hereditary spastic paraplegia, mental impairment, and thin corpus callosum; SPASTIC PARAPLEGIA, AUTOSOMAL RECESSIVE, COMPLICATED, WITH THIN CORPUS CALLOSUM; SPASTIC PARAPLEGIA, AUTOSOMAL RECESSIVE, WITH MENTAL IMPAIRMENT AND THIN CORPUS CALLOSUM; Spastic Paraplegia 11. Identifiers: Orphanet 2822, MedGen C1858479, MONDO:0011445, OMIM 604360.

Allele frequency attached by ClinVar (database versions not stated): gnomAD exomes below 0.00001.
gnomAD v4.1: 2 of 1,609,418 alleles (0.00012%); highest among the groups gnomAD compares: Non-Finnish European, 0.00017%; no homozygotes.

Submissions (2):

Labcorp Genetics (formerly Invitae), Labcorp
Classification: Likely benign for Hereditary spastic paraplegia 11. Last evaluated: 2025-05-12. Review status: criteria provided, single submitter. Criteria: Invitae Variant Classification Sherloc (09022015). Collection method: clinical testing. Allele origin: germline.

Centre for Mendelian Genomics, University Medical Centre Ljubljana
Classification: Uncertain significance for Hereditary spastic paraplegia 11. Last evaluated: 2018-11-28. Review status: criteria provided, single submitter. Criteria: ACMG Guidelines, 2015. Collection method: clinical testing. Allele origin: unknown. Affected: yes.
Comment: This variant was classified as: Uncertain significance. The available evidence on this variant's pathogenicity is insufficient or conflicting. The following ACMG criteria were applied in classifying this variant: PM2.